The following is an entry in ClinVar:

NM_024422.6(DSC2):c.2705G>C (p.Ter902Ser)

Gene: DSC2 (desmocollin 2; minus strand). Cytogenetic location: 18q12.1.
Variant type: single nucleotide variant.
Coding change: c.2705G>C on transcript NM_024422.6 (MANE Select); coding-DNA position 2705, G replaced by C.
Protein change: p.Ter902Ser.
Molecular consequence: stop lost. On other transcripts: 3 prime UTR variant (2).
Genome position (GRCh38, 1-based): chr18:31,068,016, C>G on the plus strand (G>C on the coding strand, the complement: DSC2 is on the minus strand). VCF-style: chr18-31068016-C-G. GRCh37 (hg19) VCF-style: chr18-28647982-C-G.
Other names: c.2276G>C, p.Ter759Ser (NM_001406506.1); c.*207G>C (NM_001406507.1, NM_004949.5); c.2705G>C (NM_024422.3).
Identifiers: ClinVar variation 3386505 (VCV003386505.2).

ClinVar aggregate classification (germline): Uncertain significance. Review status: criteria provided, multiple submitters, no conflicts (2 of 4 stars). 2 submissions from 2 submitters: Uncertain significance (2). Last evaluated 2024-07-29.

Conditions:
Familial isolated arrhythmogenic right ventricular dysplasia. Identifiers: Orphanet 217656, MedGen C4274968, MONDO:0016342.

gnomAD v4.1: 1 of 1,613,682 alleles (0.000062%); no homozygotes.

Submissions (2):

GeneDx
Classification: Uncertain significance. Last evaluated: 2024-07-29. Review status: criteria provided, single submitter. Criteria: GeneDx Variant Classification Process June 2021. Collection method: clinical testing. Allele origin: germline. Affected: yes.
Comment: Has not been previously published as pathogenic or benign to our knowledge; Not observed at significant frequency in large population cohorts (gnomAD); Normal stop codon changed to a Serine codon, leading to the addition of 25 amino acids at the C-terminus

All of Us Research Program, National Institutes of Health
Classification: Uncertain significance for Familial isolated arrhythmogenic right ventricular dysplasia. Last evaluated: 2024-03-05. Review status: criteria provided, single submitter. Criteria: ACMG Guidelines, 2015. Collection method: clinical testing. Allele origin: germline. Inheritance: Autosomal dominant inheritance. Observed: 1 variant allele, 1 heterozygote.
Comment: This study involves interpretation of variants in research participants for the purpose of population health screening. Participant phenotype was not available at the time of variant classification. Additional details can be found in publication PMID: 35346344, PMCID: PMC8962531